The following is an entry in ClinVar:

NCBI36/hg18 6p11.2-q11.1(chr6:57869390-58827882)x3

Variant type: copy number gain.
Identifiers: ClinVar variation 397982 (VCV000397982.2).

ClinVar aggregate classification (germline): Benign/Likely benign (0 of 4 stars; one submission).

Submission:

ISCA site 19
Classification: Benign/Likely benign. Review status: no assertion criteria provided. Collection method: clinical testing. Allele origin: unknown. Affected: yes. Observed: 2 variant alleles.
Comment: Likely benign (1), Benign (1)

Copy number variation identified through the course of routine clinical cytogenomic testing in postnatal populations, with clinical assertions as classified by the original submitter. For data from the original published study, Kaminsky, et al. 2011 (PubMed 21844811), please see nstd101.